The following continues an entry in ClinVar:

NM_001042492.3(NF1):c.3826C>G (p.Arg1276Gly)

Gene: NF1. ClinVar aggregate classification (germline): Pathogenic/Likely pathogenic. Pathogenic (11); Likely pathogenic (2).

Submissions 12 to 14 of 14:

Victorian Clinical Genetics Services, Murdoch Childrens Research Institute
Classification: Pathogenic for Neurofibromatosis, type 1. Last evaluated: 2018-09-13. Review status: criteria provided, single submitter. Criteria: ACMG Guidelines, 2015. Collection method: clinical testing. Allele origin: de novo. Affected: yes. Observed: 1 variant allele.
Comment: A heterozygous missense variant, NM_000267.3(NF1):c.3826C>G, has been identified in exon 28 of 57 of the NF1 gene. The variant is predicted to result in a major amino acid change from arginine to glycine at position 1276 of the protein (NP_000258.1(NF1):p.(Arg1276Gly)). The arginine residue at this position has very high conservation (100 vertebrates, UCSC), and is located within the RasGAP neurofibromin domain. The Arg1276 residue is the arginine finger in the GAP-related domain, essential for the catalytic activity of the protein (De Luca A. et al. 2005). In silico predictions for this variant are consistently pathogenic (Polyphen, SIFT, CADD, Mutation Taster). The variant is absent in the gnomAD population database, and has previously been reported in patients with neurofibromatosis type 1 (Mattocks C. et al. 2004, ClinVar). Two different variants in the same codon resulting in a change to glutamine and proline has also been reported in patients with the same condition (Klose A. et al. (1998), Fahsold R. et al. (2000)). Analysis of parental samples indicated this variant is de novo. Based on the information available at the time of curation, this variant has been classified as PATHOGENIC.

ARUP Laboratories, Molecular Genetics and Genomics, ARUP Laboratories
Classification: Likely pathogenic. Last evaluated: 2017-01-20. Review status: criteria provided, single submitter. Criteria: ARUP Molecular Germline Variant Investigation Process. Collection method: clinical testing. Allele origin: germline.

UniProtKB/Swiss-Prot
No classification provided. Review status: no classification provided. Collection method: not provided. Allele origin: not provided. Not counted in ClinVar's aggregate classification.

Literature cited by the submitters: PubMed 9545275 (cited by Myriad Genetics, Inc.); PubMed 40169570 (cited by Myriad Genetics, Inc.); PubMed 40759488 (cited by Myriad Genetics, Inc.); PubMed 15060124 (cited by 3 submitters); PubMed 31595648 (cited by 5 submitters); PubMed 8628317 (cited by Labcorp Genetics (formerly Invitae), Labcorp and Women's Health and Genetics/Laboratory Corporation of America, LabCorp); PubMed 9302992 (cited by Labcorp Genetics (formerly Invitae), Labcorp); PubMed 10712197 (cited by Labcorp Genetics (formerly Invitae), Labcorp); PubMed 16479075 (cited by Labcorp Genetics (formerly Invitae), Labcorp); PubMed 19221814 (cited by Labcorp Genetics (formerly Invitae), Labcorp); PubMed 22807134 (cited by Labcorp Genetics (formerly Invitae), Labcorp); PubMed 23668869 (cited by Labcorp Genetics (formerly Invitae), Labcorp); PubMed 27322474 (cited by Labcorp Genetics (formerly Invitae), Labcorp); PubMed 10543400 (cited by Ambry Genetics); PubMed 24803665 (cited by Ambry Genetics); PubMed 31573083 (cited by Ambry Genetics); PubMed 32573669 (cited by Women's Health and Genetics/Laboratory Corporation of America, LabCorp); PubMed 29290338 (cited by UAB Medical Genomics Laboratory, UAB Medicine).